The following is an entry in ClinVar:

ClinVar aggregate classification (germline): Uncertain significance (1 of 4 stars; one submission).

gnomAD v4.1: 2 of 1,496,186 alleles (0.00013%); highest among the groups gnomAD compares: African/African-American, 0.0014%; no homozygotes.

Submission:

Labcorp Genetics (formerly Invitae), Labcorp
Classification: Uncertain significance. Last evaluated: 2026-01-06. Review status: criteria provided, single submitter. Criteria: Invitae Variant Classification Sherloc (09022015). Collection method: clinical testing. Allele origin: germline.
Comment: This sequence change replaces proline, which is neutral and non-polar, with leucine, which is neutral and non-polar, at codon 469 of the ZCCHC8 protein (p.Pro469Leu). The frequency data for this variant in the population databases is considered unreliable, as metrics indicate poor data quality at this position in the gnomAD database. This variant has not been reported in the literature in individuals affected with ZCCHC8-related conditions. Invitae Evidence Modeling of protein sequence and biophysical properties (such as structural, functional, and spatial information, amino acid conservation, physicochemical variation, residue mobility, and thermodynamic stability) indicates that this missense variant is expected to disrupt ZCCHC8 protein function with a positive predictive value of 80%. In summary, the available evidence is currently insufficient to determine the role of this variant in disease. Therefore, it has been classified as a Variant of Uncertain Significance.

NM_017612.5(ZCCHC8):c.1406C>T (p.Pro469Leu)

Gene: ZCCHC8 (zinc finger CCHC-type containing 8; minus strand). Cytogenetic location: 12q24.31.
Variant type: single nucleotide variant.
Coding change: c.1406C>T on transcript NM_017612.5 (MANE Select); coding-DNA position 1406, C replaced by T.
Protein change: p.Pro469Leu; replaces proline 469 with leucine.
Molecular consequence: missense variant.
Genome position (GRCh38, 1-based): chr12:122,474,215, G>A on the plus strand (C>T on the coding strand, the complement: ZCCHC8 is on the minus strand). VCF-style: chr12-122474215-G-A. GRCh37 (hg19) VCF-style: chr12-122958762-G-A.
Other names: c.1175C>T, p.Pro392Leu (NM_001350935.2); c.1109C>T, p.Pro370Leu (NM_001350936.2); c.692C>T, p.Pro231Leu (NM_001350937.2, NM_001350938.2); short protein forms P469L, P231L, P370L, P392L.
Identifiers: ClinVar variation 4763125 (VCV004763125.1).